The following is an entry in ClinVar:

NM_006389.5(HYOU1):c.297C>T (p.Tyr99=)

Gene: HYOU1 (hypoxia up-regulated 1; minus strand). Cytogenetic location: 11q23.3.
Variant type: single nucleotide variant.
Coding change: c.297C>T on transcript NM_006389.5 (MANE Select); coding-DNA position 297, C replaced by T.
Protein change: p.Tyr99=; no amino-acid change (tyrosine 99 retained).
Molecular consequence: synonymous variant.
Genome position (GRCh38, 1-based): chr11:119,055,307, G>A on the plus strand (C>T on the coding strand, the complement: HYOU1 is on the minus strand). VCF-style: chr11-119055307-G-A. GRCh37 (hg19) VCF-style: chr11-118926019-G-A.
Other names: c.297C>T, p.Tyr99= (NM_001130991.3, NM_001411041.1).
Identifiers: ClinVar variation 2969405 (VCV002969405.3), dbSNP rs781787314, ClinGen allele CA229648978.

ClinVar aggregate classification (germline): Uncertain significance (1 of 4 stars; one submission).

Allele frequency attached by ClinVar (database versions not stated): gnomAD exomes 0.00001; TOPMed 0.00001; gnomAD 0.00002.
gnomAD v4.1: 22 of 1,613,848 alleles (0.0014%); highest among the groups gnomAD compares: South Asian, 0.0022%; no homozygotes.

Submission:

Labcorp Genetics (formerly Invitae), Labcorp
Classification: Uncertain significance. Last evaluated: 2023-09-24. Review status: criteria provided, single submitter. Criteria: Invitae Variant Classification Sherloc (09022015). Collection method: clinical testing. Allele origin: germline.
Comment: This sequence change affects codon 99 of the HYOU1 mRNA. It is a 'silent' change, meaning that it does not change the encoded amino acid sequence of the HYOU1 protein. This variant is present in population databases (rs781787314, gnomAD 0.002%). This variant has not been reported in the literature in individuals affected with HYOU1-related conditions. Experimental studies and prediction algorithms are not available or were not evaluated, and the effect of this variant on mRNA splicing is currently unknown. In summary, the available evidence is currently insufficient to determine the role of this variant in disease. Therefore, it has been classified as a Variant of Uncertain Significance.